The following is an entry in ClinVar:

NM_006080.3(SEMA3A):c.2287G>A (p.Glu763Lys)

Gene: SEMA3A (semaphorin 3A; minus strand). Cytogenetic location: 7q21.11.
Variant type: single nucleotide variant.
Coding change: c.2287G>A on transcript NM_006080.3 (MANE Select); coding-DNA position 2287, G replaced by A.
Protein change: p.Glu763Lys; replaces glutamic acid 763 with lysine.
Molecular consequence: missense variant.
Genome position (GRCh38, 1-based): chr7:83,961,400, C>T on the plus strand (G>A on the coding strand, the complement: SEMA3A is on the minus strand). VCF-style: chr7-83961400-C-T. GRCh37 (hg19) VCF-style: chr7-83590716-C-T.
Other names: short protein forms E763K.
Identifiers: ClinVar variation 4995421 (VCV004995421.1).

ClinVar aggregate classification (germline): Uncertain significance (1 of 4 stars; one submission).

Conditions:
SEMA3A-related disorder. Also called: SEMA3A-related condition.

gnomAD v4.1: 2 of 1,614,028 alleles (0.00012%); highest among the groups gnomAD compares: South Asian, 0.0022%; no homozygotes.

Submission:

PreventionGenetics, part of Exact Sciences
Classification: Uncertain significance for SEMA3A-related condition. Last evaluated: 2026-06-22. Review status: criteria provided, single submitter. Criteria: ACMG Guidelines, 2015. Collection method: clinical testing. Allele origin: germline.
Comment: The SEMA3A c.2287G>A variant is predicted to result in the amino acid substitution p.Glu763Lys. To our knowledge, this variant has not been reported in the literature or in a large population database (gnomAD), indicating this variant is rare. At this time, the clinical significance of this variant is uncertain due to the absence of conclusive functional and genetic evidence.